The following is an entry in ClinVar:

ClinVar aggregate classification (germline): Benign/Likely benign. Review status: criteria provided, multiple submitters, no conflicts (2 of 4 stars). 5 submissions from 5 submitters: Benign (2); Likely benign (3). Last evaluated 2025-07-08.

Conditions:
Focal segmental glomerulosclerosis 5 (FSGS5). Identifiers: Orphanet 656, MedGen C2750475, MONDO:0013191, OMIM 613237.
INF2-related disorder. Also called: INF2-related condition.
Charcot-Marie-Tooth disease dominant intermediate E. Also called: CHARCOT-MARIE-TOOTH NEUROPATHY WITH FOCAL SEGMENTAL GLOMERULONEPHRITIS. Identifiers: Orphanet 93114, MedGen C4302667, MONDO:0013758, OMIM 614455.

Allele frequency attached by ClinVar (database versions not stated): TOPMed 0.00010; gnomAD 0.00011 and 0.00026; gnomAD exomes 0.00016 and 0.00076; ExAC 0.00028; 1000 Genomes Project 30x 0.00172; 1000 Genomes Project 0.00200.
gnomAD v4.1: 1,108 of 1,613,070 alleles (0.069%); highest among the groups gnomAD compares: East Asian, 2.4%; 22 homozygotes.

Submissions (5):

PreventionGenetics, part of Exact Sciences
Classification: Likely benign for INF2-related condition. Last evaluated: 2025-07-08. Review status: criteria provided, single submitter. Criteria: ACMG Guidelines, 2015. Collection method: clinical testing. Allele origin: germline.
Comment: This variant is classified as likely benign based on ACMG/AMP sequence variant interpretation guidelines (Richards et al. 2015 PMID: 25741868, with internal and published modifications).

Labcorp Genetics (formerly Invitae), Labcorp
Classification: Likely benign for Charcot-Marie-Tooth disease dominant intermediate E; Focal segmental glomerulosclerosis 5. Last evaluated: 2025-04-14. Review status: criteria provided, single submitter. Criteria: Invitae Variant Classification Sherloc (09022015). Collection method: clinical testing. Allele origin: germline.

Mayo Clinic Laboratories, Mayo Clinic
Classification: Benign. Last evaluated: 2025-04-10. Review status: criteria provided, single submitter. Criteria: ACMG Guidelines, 2015. Collection method: clinical testing. Allele origin: germline. Observed: 1 variant allele.
Comment: BS1, BS2, BP4_moderate

Illumina Laboratory Services, Illumina
Classification: Benign for Focal segmental glomerulosclerosis 5. Last evaluated: 2018-01-12. Review status: criteria provided, single submitter. Criteria: ICSL Variant Classification Criteria 13 December 2019. Collection method: clinical testing. Allele origin: germline.
Comment: This variant was observed in the ICSL laboratory as part of a predisposition screen in an ostensibly healthy population. It had not been previously curated by ICSL or reported in the Human Gene Mutation Database (HGMD: prior to June 1st, 2018), and was therefore a candidate for classification through an automated scoring system. Utilizing variant allele frequency, disease prevalence and penetrance estimates, and inheritance mode, an automated score was calculated to assess if this variant is too frequent to cause the disease. Based on the score and internal cut-off values, a variant classified as benign is not then subjected to further curation. The score for this variant resulted in a classification of benign for this disease.

GeneDx
Classification: Likely benign. Last evaluated: 2018-01-08. Review status: criteria provided, single submitter. Criteria: GeneDx Variant Classification (06012015). Collection method: clinical testing. Allele origin: germline. Affected: yes.
Comment: This variant is considered likely benign or benign based on one or more of the following criteria: it is a conservative change, it occurs at a poorly conserved position in the protein, it is predicted to be benign by multiple in silico algorithms, and/or has population frequency not consistent with disease.

Literature cited by the submitters: PubMed 30076350 (cited by Mayo Clinic Laboratories, Mayo Clinic).

NM_022489.4(INF2):c.1978C>T (p.Arg660Trp)

Gene: INF2 (inverted formin 2; plus strand). Cytogenetic location: 14q32.33.
Variant type: single nucleotide variant.
Coding change: c.1978C>T on transcript NM_022489.4 (MANE Select); coding-DNA position 1978, C replaced by T.
Protein change: p.Arg660Trp; replaces arginine 660 with tryptophan.
Molecular consequence: missense variant.
Genome position (GRCh38, 1-based): chr14:104,709,309, C>T. VCF-style: chr14-104709309-C-T. GRCh37 (hg19) VCF-style: chr14-105175646-C-T.
Other names: p.Arg660Trp; c.1978C>T, p.Arg660Trp (NM_001031714.4); short protein forms R660W.
Identifiers: ClinVar variation 312697 (VCV000312697.16), dbSNP rs138577569, ClinGen allele CA7372770.